The following is an entry in ClinVar:

NM_001470.4(GABBR1):c.1138A>C (p.Lys380Gln)

Gene: GABBR1 (gamma-aminobutyric acid type B receptor subunit 1; minus strand). Cytogenetic location: 6p22.1.
Variant type: single nucleotide variant.
Coding change: c.1138A>C on transcript NM_001470.4 (MANE Select); coding-DNA position 1138, A replaced by C.
Protein change: p.Lys380Gln; replaces lysine 380 with glutamine.
Molecular consequence: missense variant.
Genome position (GRCh38, 1-based): chr6:29,621,286, T>G on the plus strand (A>C on the coding strand, the complement: GABBR1 is on the minus strand). VCF-style: chr6-29621286-T-G. GRCh37 (hg19) VCF-style: chr6-29589063-T-G.
Other names: c.607A>C, p.Lys203Gln (NM_001319053.2); c.787A>C, p.Lys263Gln (NM_021903.3); c.952A>C, p.Lys318Gln (NM_021904.4); short protein forms K203Q, K263Q, K318Q, K380Q.
Identifiers: ClinVar variation 3378278 (VCV003378278.1).

ClinVar aggregate classification (germline): Uncertain significance (1 of 4 stars; one submission).

Submission:

GeneDx
Classification: Uncertain significance. Last evaluated: 2024-05-14. Review status: criteria provided, single submitter. Criteria: GeneDx Variant Classification Process June 2021. Collection method: clinical testing. Allele origin: germline. Affected: yes.
Comment: Not observed at significant frequency in large population cohorts (gnomAD); In silico analysis supports that this missense variant has a deleterious effect on protein structure/function; Has not been previously published as pathogenic or benign to our knowledge